The following is an entry in ClinVar:

NM_152564.5(VPS13B):c.3162G>A (p.Lys1054=)

Gene: VPS13B (vacuolar protein sorting 13 homolog B; plus strand). Cytogenetic location: 8q22.2.
Variant type: single nucleotide variant.
Coding change: c.3162G>A on transcript NM_152564.5 (MANE Select); coding-DNA position 3162, G replaced by A.
Protein change: p.Lys1054=; no amino-acid change (lysine 1054 retained).
Molecular consequence: synonymous variant.
Genome position (GRCh38, 1-based): chr8:99,431,616, G>A. VCF-style: chr8-99431616-G-A. GRCh37 (hg19) VCF-style: chr8-100443844-G-A.
Other names: c.3162G>A (NM_152564.4); c.3162G>A, p.Lys1054= (NM_017890.5).
Identifiers: ClinVar variation 1160421 (VCV001160421.14), dbSNP rs776213275, ClinGen allele CA4823180.

ClinVar aggregate classification (germline): Likely benign. Review status: criteria provided, multiple submitters, no conflicts (2 of 4 stars). 4 submissions from 4 submitters: Likely benign (2). 2 of the submissions do not count toward it. Last evaluated 2026-01-30.

Conditions:
VPS13B-related disorder. Also called: VPS13B-related condition.
Cohen syndrome (COH1). Also called: PEPPER SYNDROME; Cutis verticis gyrata, retinitis pigmentosa, and sensorineural deafness. Identifiers: Orphanet 193, MedGen C0265223, MONDO:0008999, OMIM 216550.

Allele frequency attached by ClinVar (database versions not stated): gnomAD exomes 0.00001 and 0.00008; gnomAD 0.00002; ExAC 0.00011.
gnomAD v4.1: 26 of 1,613,226 alleles (0.0016%); highest among the groups gnomAD compares: Admixed American, 0.033%; no homozygotes.

Submissions (4):

Labcorp Genetics (formerly Invitae), Labcorp
Classification: Likely benign for Cohen syndrome. Last evaluated: 2026-01-30. Review status: criteria provided, single submitter. Criteria: Invitae Variant Classification Sherloc (09022015). Collection method: clinical testing. Allele origin: germline.

Blueprint Genetics
Classification: Likely benign. Last evaluated: 2022-10-26. Review status: criteria provided, single submitter. Criteria: ACMG Guidelines, 2015. Collection method: clinical testing. Allele origin: germline.

PreventionGenetics, part of Exact Sciences
Classification: Likely benign for VPS13B-related condition. Last evaluated: 2020-09-30. Review status: no assertion criteria provided. Collection method: clinical testing. Allele origin: germline. Not counted in ClinVar's aggregate classification.
Comment: This variant is classified as likely benign based on ACMG/AMP sequence variant interpretation guidelines (Richards et al. 2015 PMID: 25741868, with internal and published modifications).

Natera, Inc.
Classification: Likely benign for Cohen syndrome. Last evaluated: 2020-08-10. Review status: no assertion criteria provided. Collection method: clinical testing. Allele origin: germline. Not counted in ClinVar's aggregate classification.